The following continues an entry in ClinVar:

NM_003119.4(SPG7):c.1529C>T (p.Ala510Val)

Gene: SPG7. ClinVar aggregate classification (germline): Pathogenic/Likely pathogenic. Pathogenic (55); Likely pathogenic (11).

Literature cited by the submitters, continued: PubMed 24727571 (cited by 3 submitters); PubMed 31854126 (cited by Victorian Clinical Genetics Services, Murdoch Childrens Research Institute); PubMed 32548275 (cited by Victorian Clinical Genetics Services, Murdoch Childrens Research Institute); PubMed 16534102 (cited by 4 submitters); PubMed 18200586 (cited by Labcorp Genetics (formerly Invitae), Labcorp and Illumina Laboratory Services, Illumina); PubMed 18799786 (cited by 6 submitters); PubMed 22571692 (cited by 12 submitters); PubMed 22964162 (cited by Labcorp Genetics (formerly Invitae), Labcorp and Clinical Omics and Informatics (COIN) Unit, Neuroscience Institute, University Of Cape Town); PubMed 23269439 (cited by 11 submitters); PubMed 34983064 (cited by 3billion); PubMed 26626314 (cited by 9 submitters); PubMed 21623769 (cited by 4 submitters); PubMed 28362824 (cited by 3 submitters); PubMed 29026558 (cited by 4 submitters); PubMed 33598982 (cited by 3 submitters); PubMed 37213040 (cited by Rady Children's Institute for Genomic Medicine, Rady Children's Hospital San Diego and Pittsburgh Clinical Genomics Laboratory, University of Pittsburgh Medical Center); PubMed 25681447 (cited by 6 submitters); PubMed 35586535 (cited by 3 submitters); PubMed 30537300 (cited by 4 submitters); PubMed 29915382 (cited by 3 submitters); PubMed 28444220 (cited by Athena Diagnostics and Pittsburgh Clinical Genomics Laboratory, University of Pittsburgh Medical Center); PubMed 37712079 (cited by Athena Diagnostics and Clinical Omics and Informatics (COIN) Unit, Neuroscience Institute, University Of Cape Town); PubMed 32973427 (cited by 4 submitters); PubMed 28832565 (cited by 3 submitters); PubMed 27165006 (cited by Athena Diagnostics); PubMed 24731568 (cited by Athena Diagnostics); PubMed 29246844 (cited by 3 submitters); PubMed 36530930 (cited by Athena Diagnostics); PubMed 37766787 (cited by Athena Diagnostics); PubMed 38549004 (cited by Athena Diagnostics); PubMed 25497598 (cited by Women's Health and Genetics/Laboratory Corporation of America, LabCorp and Illumina Laboratory Services, Illumina); PubMed 31068484 (cited by Pittsburgh Clinical Genomics Laboratory, University of Pittsburgh Medical Center); PubMed 32040484 (cited by Pittsburgh Clinical Genomics Laboratory, University of Pittsburgh Medical Center and Institute of Human Genetics, Univ. Regensburg, Univ. Regensburg); PubMed 26506339 (cited by Pittsburgh Clinical Genomics Laboratory, University of Pittsburgh Medical Center and SIB Swiss Institute of Bioinformatics); PubMed 23065789 (cited by 5 submitters); PubMed 38703036 (cited by Service de Génétique Médicale, Centre Hospitalier Universitaire de Nice-Université Côte d'Azur); DOI 10.1007/s10072-023-06867-w (cited by Genetic Foundation of Khorasan Razavi (GFKR)); DOI 10.1007/s12311-016-0818-5 (cited by Genetic Foundation of Khorasan Razavi (GFKR)); DOI 10.3390/ijms161025050 (cited by Genetic Foundation of Khorasan Razavi (GFKR)); PubMed 32153140 (cited by Molecular Genetics, Royal Melbourne Hospital); PubMed 27957547 (cited by Laboratory for Molecular Medicine, Mass General Brigham Personalized Medicine and Institute of Human Genetics, Univ. Regensburg, Univ. Regensburg); PubMed 29057857 (cited by Laboratory for Molecular Medicine, Mass General Brigham Personalized Medicine and Institute of Human Genetics, Univ. Regensburg, Univ. Regensburg); PubMed 23733235 (cited by Laboratory for Molecular Medicine, Mass General Brigham Personalized Medicine and Illumina Laboratory Services, Illumina); PubMed 20981092 (cited by Institute of Human Genetics, Univ. Regensburg, Univ. Regensburg); PubMed 22995991 (cited by Institute of Human Genetics, Univ. Regensburg, Univ. Regensburg); PubMed 25133958 (cited by Institute of Human Genetics, Univ. Regensburg, Univ. Regensburg); PubMed 25525159 (cited by Institute of Human Genetics, Univ. Regensburg, Univ. Regensburg); PubMed 27557734 (cited by Institute of Human Genetics, Univ. Regensburg, Univ. Regensburg); PubMed 29482223 (cited by Institute of Human Genetics, Univ. Regensburg, Univ. Regensburg); PubMed 29913018 (cited by Institute of Human Genetics, Univ. Regensburg, Univ. Regensburg); PubMed 29867446 (cited by Institute of Human Genetics, Univ. Regensburg, Univ. Regensburg); PubMed 30369941 (cited by Institute of Human Genetics, Univ. Regensburg, Univ. Regensburg); PubMed 31433872 (cited by Institute of Human Genetics, Univ. Regensburg, Univ. Regensburg); PubMed 31316545 (cited by Institute of Human Genetics, Univ. Regensburg, Univ. Regensburg); PubMed 33059505 (cited by Institute of Human Genetics, Univ. Regensburg, Univ. Regensburg); PubMed 31980526 (cited by Institute of Human Genetics, Univ. Regensburg, Univ. Regensburg); PubMed 32161564 (cited by Institute of Human Genetics, Univ. Regensburg, Univ. Regensburg); PubMed 31692161 (cited by Institute of Human Genetics, Univ. Regensburg, Univ. Regensburg); PubMed 32447552 (cited by Institute of Human Genetics, Univ. Regensburg, Univ. Regensburg); PubMed 32893728 (cited by Institute of Human Genetics, Univ. Regensburg, Univ. Regensburg); PubMed 33157434 (cited by Institute of Human Genetics, Univ. Regensburg, Univ. Regensburg); PubMed 33084218 (cited by Institute of Human Genetics, Univ. Regensburg, Univ. Regensburg); PubMed 32581362 (cited by Institute of Human Genetics, Univ. Regensburg, Univ. Regensburg and NIHR Bioresource Rare Diseases, University of Cambridge); PubMed 34662886 (cited by Institute of Human Genetics, Univ. Regensburg, Univ. Regensburg); PubMed 32816195 (cited by Institute of Human Genetics, Univ. Regensburg, Univ. Regensburg); PubMed 34405107 (cited by Institute of Human Genetics, Univ. Regensburg, Univ. Regensburg); PubMed 33841295 (cited by Institute of Human Genetics, Univ. Regensburg, Univ. Regensburg); PubMed 34445196 (cited by Institute of Human Genetics, Univ. Regensburg, Univ. Regensburg); PubMed 34782662 (cited by Institute of Human Genetics, Univ. Regensburg, Univ. Regensburg); PubMed 34426522 (cited by Institute of Human Genetics, Univ. Regensburg, Univ. Regensburg); PubMed 33144682 (cited by Institute of Human Genetics, Univ. Regensburg, Univ. Regensburg); PubMed 33300680 (cited by Institute of Human Genetics, Univ. Regensburg, Univ. Regensburg); PubMed 34758253 (cited by Institute of Human Genetics, Univ. Regensburg, Univ. Regensburg); PubMed 33726816 (cited by Institute of Human Genetics, Univ. Regensburg, Univ. Regensburg); PubMed 35869996 (cited by Institute of Human Genetics, Univ. Regensburg, Univ. Regensburg); PubMed 35872528 (cited by Institute of Human Genetics, Univ. Regensburg, Univ. Regensburg); PubMed 35499206 (cited by Institute of Human Genetics, Univ. Regensburg, Univ. Regensburg); PubMed 17661097 (cited by Illumina Laboratory Services, Illumina); PubMed 39825153 (cited by Solve-RD Consortium).